The following is an entry in ClinVar:

NM_001042475.3(CEP85L):c.1590+6A>G

Gene: CEP85L (centrosomal protein 85L; minus strand). Cytogenetic location: 6q22.31.
Variant type: single nucleotide variant.
Coding change: c.1590+6A>G on transcript NM_001042475.3 (MANE Select); 6 bases into the intron after coding-DNA position 1590, A replaced by G.
Molecular consequence: intron variant.
Genome position (GRCh38, 1-based): chr6:118,483,700, T>C on the plus strand (A>G on the coding strand, the complement: CEP85L is on the minus strand). VCF-style: chr6-118483700-T-C. GRCh37 (hg19) VCF-style: chr6-118804863-T-C.
Other names: c.1599+6A>G (NM_001178035.2).
Identifiers: ClinVar variation 4838983 (VCV004838983.1).
Genomic context (GRCh38, chr6:118,483,700, plus strand): 5'-AAATTTCTAGAGTCAAGTTAACATGTTTTCATGTCATTTAAAGATAAGCATTTTATTTCA[T>C]GTTACCTGTAGACTCTGACTCTGTACATCATCTAGAGTTGGAAGATCAGCCAGATACTTT-3'

ClinVar aggregate classification (germline): Uncertain significance (1 of 4 stars; one submission).

Conditions:
Inborn genetic diseases. Identifiers: MedGen C0950123, MeSH D030342.

gnomAD v4.1: 6 of 1,599,860 alleles (0.00038%); highest among the groups gnomAD compares: Non-Finnish European, 0.00051%; no homozygotes.

Submission:

Ambry Genetics
Classification: Uncertain significance for Inborn genetic diseases. Last evaluated: 2026-01-22. Review status: criteria provided, single submitter. Criteria: Ambry Variant Classification Scheme 2023. Collection method: clinical testing. Allele origin: germline.
Comment: The c.1590+6A>G intronic alteration consists of a A to G substitution nucleotides after coding exon 7 in the CEP85L gene. Based on data from gnomAD, the G allele has an overall frequency of 0.001% (2/234286) total alleles studied. The highest observed frequency was 0.002% (2/108784) of European (non-Finnish) alleles. Based on insufficient or conflicting evidence, the clinical significance of this alteration remains unclear.